The following is an entry in ClinVar:

NM_007294.4(BRCA1):c.441+280G>A

Gene: BRCA1 (BRCA1 DNA repair associated; minus strand). Cytogenetic location: 17q21.31.
Variant type: single nucleotide variant.
Coding change: c.441+280G>A on transcript NM_007294.4 (MANE Select); 280 bases into the intron after coding-DNA position 441, G replaced by A.
Molecular consequence: intron variant.
Genome position (GRCh38, 1-based): chr17:43,103,842, C>T on the plus strand (G>A on the coding strand, the complement: BRCA1 is on the minus strand). VCF-style: chr17-43103842-C-T. GRCh37 (hg19) VCF-style: chr17-41255859-C-T.
Other names: IVS 7+280G>A; c.441+280G>A (NM_001407616.1, NM_007300.4, NM_001407581.1 and 164 more transcripts); c.60+280G>A (NM_001407965.1, NM_001407959.1, NM_001407962.1 and 4 more transcripts); c.300+280G>A (NM_001407930.1, NM_001407843.1, NM_001408456.1 and 99 more transcripts); c.231+280G>A (NM_001408482.1, NM_001407954.1, NM_001407896.1 and 58 more transcripts); c.363+280G>A (NM_001407874.1, NM_001408416.1, NM_001408414.1 and 21 more transcripts); c.-218-8982G>A (NM_001407967.1, NM_001407966.1); c.309+280G>A (NM_001408451.1); and 1 more.
Identifiers: ClinVar variation 209486 (VCV000209486.2), dbSNP rs8176137, ClinGen allele CA276456.

ClinVar aggregate classification (germline): Benign (3 of 4 stars; one submission).

Conditions:
Breast-ovarian cancer, familial, susceptibility to, 1 (BROVCA1). Also called: BRCA1 Hereditary Breast and Ovarian Cancer; OVARIAN CANCER, SUSCEPTIBILITY TO. Identifiers: Orphanet 145, MedGen C2676676, MONDO:0011450, OMIM 604370. Disease mechanism: loss of function.

Allele frequency attached by ClinVar (database versions not stated): 1000 Genomes Project 0.00419; 1000 Genomes Project 30x 0.00422; TOPMed 0.00953; gnomAD 0.00981 and 0.01011.

Submission:

Evidence-based Network for the Interpretation of Germline Mutant Alleles (ENIGMA)
Classification: Benign for Breast-ovarian cancer, familial 1. Last evaluated: 2015-01-12. Review status: reviewed by expert panel. Criteria: ENIGMA BRCA1/2 Classification Criteria (2015). Collection method: curation. Allele origin: germline.
Comment: Class 1 not pathogenic based on frequency >1% in an outbred sampleset. Frequency 0.01187 (European), derived from 1000 genomes (2012-04-30).